The following is an entry in ClinVar:

ClinVar aggregate classification (germline): Uncertain significance (1 of 4 stars; one submission).

Conditions:
Cardiovascular phenotype. Identifiers: MedGen CN230736.

Submission:

Ambry Genetics
Classification: Uncertain significance for Cardiovascular phenotype. Last evaluated: 2025-07-21. Review status: criteria provided, single submitter. Criteria: Ambry Variant Classification Scheme 2023. Collection method: clinical testing. Allele origin: germline.
Comment: The p.A460E variant (also known as c.1379C>A), located in coding exon 9 of the LPL gene, results from a C to A substitution at nucleotide position 1379. The alanine at codon 460 is replaced by glutamic acid, an amino acid with dissimilar properties. This amino acid position is poorly conserved in available vertebrate species. In addition, this alteration is predicted to be tolerated by in silico analysis. Based on the available evidence, the clinical significance of this variant remains unclear.

NM_000237.3(LPL):c.1379C>A (p.Ala460Glu)

Gene: LPL (lipoprotein lipase; plus strand). Cytogenetic location: 8p21.3.
Variant type: single nucleotide variant.
Coding change: c.1379C>A on transcript NM_000237.3 (MANE Select); coding-DNA position 1379, C replaced by A.
Protein change: p.Ala460Glu; replaces alanine 460 with glutamic acid.
Molecular consequence: missense variant.
Genome position (GRCh38, 1-based): chr8:19,962,171, C>A. VCF-style: chr8-19962171-C-A. GRCh37 (hg19) VCF-style: chr8-19819682-C-A.
Other names: short protein forms A460E.
Identifiers: ClinVar variation 4099277 (VCV004099277.1).